The following is an entry in ClinVar:

ClinVar aggregate classification (germline): Conflicting classifications of pathogenicity. Review status: criteria provided, conflicting classifications (1 of 4 stars). 2 submissions from 2 submitters: Likely pathogenic (1); Uncertain significance (1). Last evaluated 2024-05-03.

Conditions:
Primary hyperoxaluria type 3. Also called: PH III. Identifiers: Orphanet 416, Orphanet 93600, MedGen C3150878, MONDO:0013327, OMIM 613616. Disease mechanism: loss of function.

Allele frequency attached by ClinVar (database versions not stated): gnomAD 0.00001; ExAC 0.00002; TOPMed 0.00002.
gnomAD v4.1: 7 of 1,614,124 alleles (0.00043%); highest among the groups gnomAD compares: East Asian, 0.0067%; no homozygotes.

Submissions (2):

Fulgent Genetics
Classification: Uncertain significance for Primary hyperoxaluria type 3. Last evaluated: 2024-05-03. Review status: criteria provided, single submitter. Criteria: ACMG Guidelines, 2015. Collection method: clinical testing. Allele origin: germline.

Clinical Biochemistry Laboratory, Health Services Laboratory
Classification: Likely pathogenic for Primary hyperoxaluria type 3. Last evaluated: 2023-10-27. Review status: criteria provided, single submitter. Criteria: ACMG Guidelines, 2015. Collection method: curation. Allele origin: germline. Affected: yes.
Comment: ACMG:PM1 PM2 PM3 PP3 BP1

Literature cited by the submitters: PubMed 35612621 (cited by Clinical Biochemistry Laboratory, Health Services Laboratory).

NM_138413.4(HOGA1):c.845G>A (p.Arg282His)

Gene: HOGA1 (4-hydroxy-2-oxoglutarate aldolase 1; plus strand). Cytogenetic location: 10q24.2.
Variant type: single nucleotide variant.
Coding change: c.845G>A on transcript NM_138413.4 (MANE Select); coding-DNA position 845, G replaced by A.
Protein change: p.Arg282His; replaces arginine 282 with histidine.
Molecular consequence: missense variant.
Genome position (GRCh38, 1-based): chr10:97,611,520, G>A. VCF-style: chr10-97611520-G-A. GRCh37 (hg19) VCF-style: chr10-99371277-G-A.
Other names: c.356G>A, p.Arg119His (NM_001134670.2); short protein forms R119H, R282H.
Identifiers: ClinVar variation 2664407 (VCV002664407.2), dbSNP rs779027672, ClinGen allele CA5634295.
Genomic context (GRCh38, chr10:97,611,520, plus strand): 5'-TGGGTGTTCAGCAAATTTCTCAGTCTCTTCTAACAGGCCCTGCTTTGCAGGTGACCCGGC[G>A]CTTTGGGATCCCAGGGCTGAAGAAAATCATGGACTGGTTTGGCTACTATGGAGGCCCCTG-3'
Protein context (NP_612422.2, residues 272-292): LIEPNAAVTR[Arg282His]FGIPGLKKIM